The following is an entry in ClinVar:

NM_000204.5(CFI):c.590C>T (p.Thr197Ile)

Gene: CFI (complement factor I; minus strand). Cytogenetic location: 4q25.
Variant type: single nucleotide variant.
Coding change: c.590C>T on transcript NM_000204.5 (MANE Select); coding-DNA position 590, C replaced by T.
Protein change: p.Thr197Ile; replaces threonine 197 with isoleucine.
Molecular consequence: missense variant. On other transcripts: 5 prime UTR variant (1), non-coding transcript variant (3).
Genome position (GRCh38, 1-based): chr4:109,761,585, G>A on the plus strand (C>T on the coding strand, the complement: CFI is on the minus strand). VCF-style: chr4-109761585-G-A. GRCh37 (hg19) VCF-style: chr4-110682741-G-A.
Other names: c.590C>T, p.Thr197Ile (NM_001318057.2, NM_001331035.2, NM_001375278.1 and 5 more transcripts); c.-20C>T (NM_001375284.1); short protein forms T197I.
Identifiers: ClinVar variation 1722166 (VCV001722166.5), dbSNP rs1243738913, ClinGen allele CA357862732.
Genomic context (GRCh38, chr4:109,761,585, plus strand): 5'-TGTGTATAACAAACCACATCAGCGAAATCCTGGTAACCCATAGTTCTTCTCTTAGTAAAA[G>A]TACATTCAGCCAAACTGGTCTCTAATCCTCGGCAATGCACATGTAGACATTCAGTGGAAT-3'
Protein context (NP_000195.3, residues 187-207): RGLETSLAEC[Thr197Ile]FTKRRTMGYQ

ClinVar aggregate classification (germline): Uncertain significance (1 of 4 stars; one submission).

Allele frequency attached by ClinVar (database versions not stated): gnomAD exomes below 0.00001; TOPMed below 0.00001; gnomAD 0.00001.
gnomAD v4.1: 2 of 1,613,952 alleles (0.00012%); highest among the groups gnomAD compares: Non-Finnish European, 0.00017%; no homozygotes.

Submission:

Labcorp Genetics (formerly Invitae), Labcorp
Classification: Uncertain significance. Last evaluated: 2022-10-25. Review status: criteria provided, single submitter. Criteria: Invitae Variant Classification Sherloc (09022015). Collection method: clinical testing. Allele origin: germline.
Comment: In summary, the available evidence is currently insufficient to determine the role of this variant in disease. Therefore, it has been classified as a Variant of Uncertain Significance. Advanced modeling of protein sequence and biophysical properties (such as structural, functional, and spatial information, amino acid conservation, physicochemical variation, residue mobility, and thermodynamic stability) performed at Invitae indicates that this missense variant is not expected to disrupt CFI protein function. This variant has not been reported in the literature in individuals affected with CFI-related conditions. The frequency data for this variant in the population databases is considered unreliable, as metrics indicate poor data quality at this position in the gnomAD database. This sequence change replaces threonine, which is neutral and polar, with isoleucine, which is neutral and non-polar, at codon 197 of the CFI protein (p.Thr197Ile).